The following is an entry in ClinVar:

NM_030632.3(ASXL3):c.4212_4246dup (p.Phe1416Ter)

Gene: ASXL3 (ASXL transcriptional regulator 3; plus strand). Cytogenetic location: 18q12.1.
Variant type: Duplication.
Coding change: c.4212_4246dup on transcript NM_030632.3 (MANE Select); coding-DNA positions 4212 to 4246, 35 bases duplicated.
Protein change: p.Phe1416Ter; replaces phenylalanine 1416 with a stop codon.
Molecular consequence: nonsense.
Genome position (GRCh38, 1-based): chr18:33,744,060-33,744,094, 35 bases duplicated. GRCh37 (hg19): chr18:31,324,024-31,324,058.
Other names: short protein forms F1416*.
Identifiers: ClinVar variation 3767667 (VCV003767667.1).

ClinVar aggregate classification (germline): Likely pathogenic (1 of 4 stars; one submission).

Submission:

GeneDx
Classification: Likely pathogenic. Last evaluated: 2025-03-10. Review status: criteria provided, single submitter. Criteria: GeneDx Variant Classification Process June 2021. Collection method: clinical testing. Allele origin: germline. Affected: yes.
Comment: Nonsense variant predicted to result in protein truncation, as the last 833 amino acids are lost, and other loss-of-function variants have been reported downstream in HGMD; Not observed at significant frequency in large population cohorts (gnomAD); Has not been previously published as pathogenic or benign to our knowledge